The following is an entry in ClinVar:

ClinVar aggregate classification (germline): Uncertain significance (1 of 4 stars; one submission).

Conditions:
Myofibrillar myopathy 5. Also called: Filaminopathy (type); FILAMINOPATHY, AUTOSOMAL DOMINANT. Identifiers: Orphanet 171445, MedGen C1836050, MONDO:0012289, OMIM 609524.
Distal myopathy with posterior leg and anterior hand involvement. Also called: WILLIAMS DISTAL MYOPATHY. Identifiers: Orphanet 63273, MedGen C3279722, MONDO:0013550, OMIM 614065.
Hypertrophic cardiomyopathy 26. Also called: Cardiomyopathy, familial hypertrophic, 26. Identifiers: Orphanet 75249, MedGen C4310749, MONDO:0014883, OMIM 617047.

Allele frequency attached by ClinVar (database versions not stated): TOPMed below 0.00001.

Submission:

Labcorp Genetics (formerly Invitae), Labcorp
Classification: Uncertain significance for Distal myopathy with posterior leg and anterior hand involvement; Myofibrillar myopathy 5; Hypertrophic cardiomyopathy 26. Last evaluated: 2022-03-22. Review status: criteria provided, single submitter. Criteria: Invitae Variant Classification Sherloc (09022015). Collection method: clinical testing. Allele origin: germline.
Comment: In summary, the available evidence is currently insufficient to determine the role of this variant in disease. Therefore, it has been classified as a Variant of Uncertain Significance. Algorithms developed to predict the effect of missense changes on protein structure and function (SIFT, PolyPhen-2, Align-GVGD) all suggest that this variant is likely to be tolerated. This variant has not been reported in the literature in individuals affected with FLNC-related conditions. This variant is not present in population databases (gnomAD no frequency). This sequence change replaces glycine, which is neutral and non-polar, with serine, which is neutral and polar, at codon 1056 of the FLNC protein (p.Gly1056Ser).

NM_001458.5(FLNC):c.3166G>A (p.Gly1056Ser)

Gene: FLNC (filamin C; plus strand). Cytogenetic location: 7q32.1.
Variant type: single nucleotide variant.
Coding change: c.3166G>A on transcript NM_001458.5 (MANE Select); coding-DNA position 3166, G replaced by A.
Protein change: p.Gly1056Ser; replaces glycine 1056 with serine.
Molecular consequence: missense variant.
Genome position (GRCh38, 1-based): chr7:128,844,240, G>A. VCF-style: chr7-128844240-G-A. GRCh37 (hg19) VCF-style: chr7-128484294-G-A.
Other names: c.3166G>A, p.Gly1056Ser (NM_001127487.2); short protein forms G1056S.
Identifiers: ClinVar variation 1512696 (VCV001512696.6), dbSNP rs1287987501, ClinGen allele CA369194682.